The following is an entry in ClinVar:

NM_000059.4(BRCA2):c.8954-5A>C

Gene: BRCA2 (BRCA2 DNA repair associated; plus strand). Cytogenetic location: 13q13.1.
Variant type: single nucleotide variant.
Coding change: c.8954-5A>C on transcript NM_000059.4 (MANE Select); 5 bases into the intron before coding-DNA position 8954, A replaced by C.
Molecular consequence: intron variant.
Genome position (GRCh38, 1-based): chr13:32,379,745, A>C. VCF-style: chr13-32379745-A-C. GRCh37 (hg19) VCF-style: chr13-32953882-A-C.
Identifiers: ClinVar variation 1765238 (VCV001765238.2), dbSNP rs886040949, ClinGen allele CA2580087482.

ClinVar aggregate classification (germline): Uncertain significance (1 of 4 stars; one submission).

Conditions:
Hereditary cancer-predisposing syndrome. Also called: Neoplastic Syndromes, Hereditary; Tumor predisposition; Hereditary Cancer Syndrome; Hereditary neoplastic syndrome. Identifiers: Orphanet 140162, MedGen C0027672, MeSH D009386, MONDO:0015356.

Submission:

Ambry Genetics
Classification: Uncertain significance for Hereditary cancer-predisposing syndrome. Last evaluated: 2021-08-27. Review status: criteria provided, single submitter. Criteria: Ambry Variant Classification Scheme 2023. Collection method: clinical testing. Allele origin: germline.
Comment: The c.8954-5A>C intronic variant results from an A to C substitution 5 nucleotides upstream from coding exon 22 in the BRCA2 gene. This nucleotide position is well conserved in available vertebrate species. In silico splice site analysis predicts that this alteration will not have any significant effect on splicing. RNA studies have demonstrated that this alteration does not result in abnormal splicing in the set of samples tested (Ambry internal data). Since supporting evidence is limited at this time, the clinical significance of this alteration remains unclear.